The following is an entry in ClinVar:

NM_001182.5(ALDH7A1):c.956T>A (p.Leu319His)

Gene: ALDH7A1 (aldehyde dehydrogenase 7 family member A1; minus strand). Cytogenetic location: 5q23.2.
Variant type: single nucleotide variant.
Coding change: c.956T>A on transcript NM_001182.5 (MANE Select); coding-DNA position 956, T replaced by A.
Protein change: p.Leu319His; replaces leucine 319 with histidine.
Molecular consequence: missense variant.
Genome position (GRCh38, 1-based): chr5:126,559,292, A>T on the plus strand (T>A on the coding strand, the complement: ALDH7A1 is on the minus strand). VCF-style: chr5-126559292-A-T. GRCh37 (hg19) VCF-style: chr5-125894984-A-T.
Other names: c.872T>A, p.Leu291His (NM_001201377.2); c.956T>A, p.Leu319His (NM_001202404.2); short protein forms L319H, L291H.
Identifiers: ClinVar variation 385836 (VCV000385836.2), dbSNP rs1057522342, ClinGen allele CA16604768.
Genomic context (GRCh38, chr5:126,559,292, plus strand): 5'-ATACTCACCAGTCGCCTCGCAGTGGTACACCTCTGGCCAGCTGTTCCCACAGCAGCGAAG[A>T]GAGCTGATGGAACAACTAAGCTGAGGTCTGCATCTTCAAAGGCTTAGGAAAGCACAAACA-3'
Protein context (NP_001173.2, residues 309-329): ADLSLVVPSA[Leu319His]FAAVGTAGQR

ClinVar aggregate classification (germline): Uncertain significance (1 of 4 stars; one submission).

Submission:

GeneDx
Classification: Uncertain significance. Last evaluated: 2016-05-06. Review status: criteria provided, single submitter. Criteria: GeneDx Variant Classification (06012015). Collection method: clinical testing. Allele origin: germline. Affected: yes.
Comment: A variant of uncertain significance has been identified in the ALDH7A1 gene. The L319H variant has not been published as a pathogenic variant, nor has it been reported as a benign variant to our knowledge. It was not observed in approximately 6,500 individuals of European and African American ancestry in the NHLBI Exome Sequencing Project, indicating it is not a common benign variant in these populations. The L319H variant is a non-conservative amino acid substitution, which is likely to impact secondary protein structure as these residues differ in polarity, charge, size and/or other properties. This substitution occurs at a position where amino acids with similar properties to Leucine are tolerated across species. In silico analysis predicts this variant is probably damaging to the protein structure/function. However, based on the currently available information, it is unclear whether this variant is a pathogenic variant or a rare benign variant.